The following is an entry in ClinVar:

ClinVar aggregate classification (germline): Conflicting classifications of pathogenicity. Review status: criteria provided, conflicting classifications (1 of 4 stars). 2 submissions from 2 submitters: Uncertain significance (1); Likely benign (1). Last evaluated 2024-10-15.

Conditions:
Hereditary cancer-predisposing syndrome. Also called: Neoplastic Syndromes, Hereditary; Tumor predisposition; Hereditary neoplastic syndrome; Hereditary Cancer Syndrome. Identifiers: Orphanet 140162, MedGen C0027672, MeSH D009386, MONDO:0015356.
Cardiovascular phenotype. Identifiers: MedGen CN230736.

Allele frequency attached by ClinVar (database versions not stated): gnomAD exomes below 0.00001.
gnomAD v4.1: 1 of 1,613,326 alleles (0.000062%); highest among the groups gnomAD compares: South Asian, 0.0011%; no homozygotes.

Submissions (2):

Labcorp Genetics (formerly Invitae), Labcorp
Classification: Uncertain significance. Last evaluated: 2024-10-15. Review status: criteria provided, single submitter. Criteria: Invitae Variant Classification Sherloc (09022015). Collection method: clinical testing. Allele origin: germline.
Comment: This sequence change affects codon 740 of the LZTR1 mRNA. It is a 'silent' change, meaning that it does not change the encoded amino acid sequence of the LZTR1 protein. It affects a nucleotide within the consensus splice site. This variant is present in population databases (no rsID available, gnomAD 0.003%). This variant has not been reported in the literature in individuals affected with LZTR1-related conditions. Algorithms developed to predict the effect of sequence changes on RNA splicing suggest that this variant is not likely to affect RNA splicing. In summary, the available evidence is currently insufficient to determine the role of this variant in disease. Therefore, it has been classified as a Variant of Uncertain Significance.

Ambry Genetics
Classification: Likely benign for Cardiovascular phenotype; Hereditary cancer-predisposing syndrome. Last evaluated: 2024-02-22. Review status: criteria provided, single submitter. Criteria: Ambry Variant Classification Scheme 2023. Collection method: clinical testing. Allele origin: germline.

NM_006767.4(LZTR1):c.2220C>T (p.Leu740=)

Gene: LZTR1 (leucine zipper like post translational regulator 1; plus strand). Cytogenetic location: 22q11.21.
Variant type: single nucleotide variant.
Coding change: c.2220C>T on transcript NM_006767.4 (MANE Select); coding-DNA position 2220, C replaced by T.
Protein change: p.Leu740=; no amino-acid change (leucine 740 retained).
Molecular consequence: synonymous variant.
Genome position (GRCh38, 1-based): chr22:20,996,696, C>T. VCF-style: chr22-20996696-C-T. GRCh37 (hg19) VCF-style: chr22-21350985-C-T.
Identifiers: ClinVar variation 3238220 (VCV003238220.3), dbSNP rs1487125681.